The following is an entry in ClinVar:

NM_000426.4(LAMA2):c.8224C>T (p.Pro2742Ser)

Gene: LAMA2 (laminin subunit alpha 2; plus strand). Cytogenetic location: 6q22.33.
Variant type: single nucleotide variant.
Coding change: c.8224C>T on transcript NM_000426.4 (MANE Select); coding-DNA position 8224, C replaced by T.
Protein change: p.Pro2742Ser; replaces proline 2742 with serine.
Molecular consequence: missense variant.
Genome position (GRCh38, 1-based): chr6:129,492,463, C>T. VCF-style: chr6-129492463-C-T. GRCh37 (hg19) VCF-style: chr6-129813608-C-T.
Other names: c.8212C>T, p.Pro2738Ser (NM_001079823.2); short protein forms P2738S, P2742S.
Identifiers: ClinVar variation 4874021 (VCV004874021.2).

ClinVar aggregate classification (germline): Uncertain significance (1 of 4 stars; one submission).

gnomAD v4.1: 7 of 1,613,982 alleles (0.00043%); highest among the groups gnomAD compares: South Asian, 0.0033%; no homozygotes.

Submission:

CeGaT Center for Human Genetics Tuebingen
Classification: Uncertain significance. Last evaluated: 2026-04-01. Review status: criteria provided, single submitter. Criteria: CeGaT Center For Human Genetics Tuebingen Variant Classification Criteria Version 2. Collection method: clinical testing. Allele origin: germline. Affected: yes. Observed: 1 variant allele.
Comment: LAMA2: PM2, BP4